The following is an entry in ClinVar:

NM_005144.5(HR):c.2945G>A (p.Arg982His)

Gene: HR (HR lysine demethylase and nuclear receptor corepressor; minus strand). Cytogenetic location: 8p21.3.
Variant type: single nucleotide variant.
Coding change: c.2945G>A on transcript NM_005144.5 (MANE Select); coding-DNA position 2945, G replaced by A.
Protein change: p.Arg982His; replaces arginine 982 with histidine.
Molecular consequence: missense variant.
Genome position (GRCh38, 1-based): chr8:22,119,792, C>T on the plus strand (G>A on the coding strand, the complement: HR is on the minus strand). VCF-style: chr8-22119792-C-T. GRCh37 (hg19) VCF-style: chr8-21977305-C-T.
Other names: c.2945G>A, p.Arg982His (NM_018411.4); short protein forms R982H.
Identifiers: ClinVar variation 4739896 (VCV004739896.1).

ClinVar aggregate classification (germline): Uncertain significance (1 of 4 stars; one submission).

gnomAD v4.1: 197 of 1,613,176 alleles (0.012%); highest among the groups gnomAD compares: Non-Finnish European, 0.015%; no homozygotes.

Submission:

Labcorp Genetics (formerly Invitae), Labcorp
Classification: Uncertain significance. Last evaluated: 2025-03-10. Review status: criteria provided, single submitter. Criteria: Invitae Variant Classification Sherloc (09022015). Collection method: clinical testing. Allele origin: germline.
Comment: This sequence change replaces arginine, which is basic and polar, with histidine, which is basic and polar, at codon 982 of the HR protein (p.Arg982His). This variant is present in population databases (rs200243478, gnomAD 0.01%). This variant has not been reported in the literature in individuals affected with HR-related conditions. An algorithm developed to predict the effect of missense changes on protein structure and function outputs the following: PolyPhen-2: "Benign". The histidine amino acid residue is found in multiple mammalian species, which suggests that this missense change does not adversely affect protein function. In summary, the available evidence is currently insufficient to determine the role of this variant in disease. Therefore, it has been classified as a Variant of Uncertain Significance.